The following is an entry in ClinVar:

ClinVar aggregate classification (germline): Likely pathogenic (1 of 4 stars; one submission).

Conditions:
CC2D2A-related disorder. Also called: CC2D2A-related condition; CC2D2A-related disorders. Identifiers: MedGen CN239313.

Submission:

PreventionGenetics, part of Exact Sciences
Classification: Likely pathogenic for CC2D2A-related condition. Last evaluated: 2025-10-20. Review status: criteria provided, single submitter. Criteria: ACMG Guidelines, 2015. Collection method: clinical testing. Allele origin: germline.
Comment: The CC2D2A c.2104G>T variant is predicted to result in premature protein termination (p.Gly702*). To our knowledge, this variant has not been reported in the literature or in a large population database (gnomAD), indicating this variant is rare. Nonsense variants in CC2D2A are expected to be pathogenic. This variant is interpreted as likely pathogenic.

NM_001378615.1(CC2D2A):c.2104G>T (p.Gly702Ter)

Genes: CC2D2A (coiled-coil and C2 domain containing 2A; plus strand), FBXL5 (F-box and leucine rich repeat protein 5; minus strand). Cytogenetic location: 4p15.32.
Variant type: single nucleotide variant.
Coding change: c.2104G>T on transcript NM_001378615.1 (MANE Select); coding-DNA position 2104, G replaced by T.
Protein change: p.Gly702Ter; replaces glycine 702 with a stop codon.
Molecular consequence: nonsense.
Genome position (GRCh38, 1-based): chr4:15,540,937, G>T. VCF-style: chr4-15540937-G-T. GRCh37 (hg19) VCF-style: chr4-15542560-G-T.
Other names: c.2104G>T, p.Gly702Ter (NM_001080522.2); c.1957G>T, p.Gly653Ter (NM_001378617.1); short protein forms G653*, G702*.
Identifiers: ClinVar variation 4994462 (VCV004994462.1).